The following is an entry in ClinVar:

ClinVar aggregate classification (germline): Uncertain significance (1 of 4 stars; one submission).

Submission:

Labcorp Genetics (formerly Invitae), Labcorp
Classification: Uncertain significance. Last evaluated: 2022-06-27. Review status: criteria provided, single submitter. Criteria: Invitae Variant Classification Sherloc (09022015). Collection method: clinical testing. Allele origin: germline.
Comment: This variant, c.4706_4708dup, results in the insertion of 1 amino acid(s) of the TOP2B protein (p.Lys1569dup), but otherwise preserves the integrity of the reading frame. In summary, the available evidence is currently insufficient to determine the role of this variant in disease. Therefore, it has been classified as a Variant of Uncertain Significance. This variant has not been reported in the literature in individuals affected with TOP2B-related conditions. This variant is not present in population databases (gnomAD no frequency).

NM_001330700.2(TOP2B):c.4718AGA[3] (p.Lys1574_Thr1575insLys)

Gene: TOP2B (DNA topoisomerase II beta; minus strand). Cytogenetic location: 3p24.2.
Variant type: Microsatellite.
Coding change: c.4718AGA[3] on transcript NM_001330700.2 (MANE Select); three copies in a row of the 3-base unit AGA starting at c.4718; the reference has two copies in a row; one copy, 3 bases duplicated.
Protein change: p.Lys1574_Thr1575insLys.
Molecular consequence: inframe insertion.
Genome position (GRCh38, 1-based): chr3:25,598,465-25,598,467, TCT duplicated on the plus strand (AGA on the coding strand, the reverse complement: TOP2B is on the minus strand); duplicating any 3 consecutive bases within chr3:25,598,465-25,598,472 gives the same sequence; the position shown is the placement nearest the transcript's 3' end. VCF-style (leftmost placement, unchanged base first): chr3-25598464-G-GTCT. GRCh37 (hg19) VCF-style: chr3-25639955-G-GTCT.
Other names: c.4703AGA[3], p.Lys1569_Thr1570insLys (NM_001068.3).
Identifiers: ClinVar variation 2011563 (VCV002011563.4), dbSNP rs1436058639, ClinGen allele CA2580614154.
Genomic context (GRCh38, chr3:25,598,464, plus strand): 5'-GGTGGCTCAGTAGGGAAGTCTGAGGGGAAGATGTCCACATCTGAATCCTGATCAAAAGAT[G>GTCT]TCTTCTTCGGTTTCTAGATTTTTTTTCAATAGATTTAAAAGTTATGAAAGGAAGTAAAGA-3'